The following is an entry in ClinVar:

ClinVar aggregate classification (germline): Uncertain significance. Review status: criteria provided, multiple submitters, no conflicts (2 of 4 stars). 4 submissions from 4 submitters: Uncertain significance (4). Last evaluated 2025-02-01.

Conditions:
Epilepsy, progressive myoclonic, 1B. Also called: PME. Identifiers: Orphanet 308, MedGen C2676254, MONDO:0012904, OMIM 612437.

Allele frequency attached by ClinVar (database versions not stated): gnomAD 0.00002; TOPMed 0.00002; ExAC 0.00003; gnomAD exomes 0.00003 and 0.00004.
gnomAD v4.1: 51 of 1,588,900 alleles (0.0032%); highest among the groups gnomAD compares: East Asian, 0.016%; no homozygotes.

Submissions (4):

CeGaT Center for Human Genetics Tuebingen
Classification: Uncertain significance. Last evaluated: 2025-02-01. Review status: criteria provided, single submitter. Criteria: CeGaT Center For Human Genetics Tuebingen Variant Classification Criteria Version 2. Collection method: clinical testing. Allele origin: germline. Affected: yes. Observed: 1 variant allele.
Comment: PRICKLE1: PM2

Labcorp Genetics (formerly Invitae), Labcorp
Classification: Uncertain significance for Epilepsy, progressive myoclonic, 1B. Last evaluated: 2022-09-17. Review status: criteria provided, single submitter. Criteria: Invitae Variant Classification Sherloc (09022015). Collection method: clinical testing. Allele origin: germline.
Comment: This sequence change replaces arginine, which is basic and polar, with glutamine, which is neutral and polar, at codon 331 of the PRICKLE1 protein (p.Arg331Gln). This variant is present in population databases (rs778192552, gnomAD 0.02%). This variant has not been reported in the literature in individuals affected with PRICKLE1-related conditions. ClinVar contains an entry for this variant (Variation ID: 410636). Advanced modeling of protein sequence and biophysical properties (such as structural, functional, and spatial information, amino acid conservation, physicochemical variation, residue mobility, and thermodynamic stability) performed at Invitae indicates that this missense variant is not expected to disrupt PRICKLE1 protein function. In summary, the available evidence is currently insufficient to determine the role of this variant in disease. Therefore, it has been classified as a Variant of Uncertain Significance.

Blueprint Genetics
Classification: Uncertain significance. Last evaluated: 2020-09-22. Review status: criteria provided, single submitter. Criteria: ACMG Guidelines, 2015. Collection method: clinical testing. Allele origin: germline.

Ambry Genetics
Classification: Uncertain significance. Last evaluated: 2017-07-26. Review status: criteria provided, single submitter. Criteria: Ambry Variant Classification Scheme 2023. Collection method: clinical testing. Allele origin: germline.
Comment: The p.R331Q variant (also known as c.992G>A), located in coding exon 6 of the PRICKLE1 gene, results from a G to A substitution at nucleotide position 992. The arginine at codon 331 is replaced by glutamine, an amino acid with highly similar properties. This amino acid position is highly conserved in available vertebrate species. In addition, the in silico prediction for this alteration is inconclusive. Since supporting evidence is limited at this time, the clinical significance of this alteration remains unclear.

NM_153026.3(PRICKLE1):c.992G>A (p.Arg331Gln)

Genes: PRICKLE1 (prickle planar cell polarity protein 1; minus strand), LOC126861509 (BRD4-independent group 4 enhancer GRCh37_chr12:42858567-42859766; plus strand). Cytogenetic location: 12q12.
Variant type: single nucleotide variant.
Coding change: c.992G>A on transcript NM_153026.3 (MANE Select); coding-DNA position 992, G replaced by A.
Protein change: p.Arg331Gln; replaces arginine 331 with glutamine.
Molecular consequence: missense variant.
Genome position (GRCh38, 1-based): chr12:42,465,042, C>T on the plus strand (G>A on the coding strand, the complement: PRICKLE1 is on the minus strand). VCF-style: chr12-42465042-C-T. GRCh37 (hg19) VCF-style: chr12-42858844-C-T.
Other names: c.992G>A, p.Arg331Gln (NM_001144881.2, NM_001144882.2, NM_001144883.2); short protein forms R331Q.
Identifiers: ClinVar variation 410636 (VCV000410636.20), dbSNP rs778192552, ClinGen allele CA6519811.